The following is an entry in ClinVar:

NM_153717.3(EVC):c.*1318G>C

Gene: EVC (EvC ciliary complex subunit 1; plus strand). Cytogenetic location: 4p16.2.
Variant type: single nucleotide variant.
Coding change: c.*1318G>C on transcript NM_153717.3 (MANE Select); 1318 bases downstream of the stop codon, G replaced by C.
Molecular consequence: 3 prime UTR variant.
Genome position (GRCh38, 1-based): chr4:5,812,355, G>C. VCF-style: chr4-5812355-G-C. GRCh37 (hg19) VCF-style: chr4-5814082-G-C.
Other names: c.*1318G>C (NM_001306090.2).
Identifiers: ClinVar variation 349244 (VCV000349244.6), dbSNP rs67547790, ClinGen allele CA10618071.

ClinVar aggregate classification (germline): Benign. Review status: criteria provided, multiple submitters, no conflicts (2 of 4 stars). 2 submissions from 2 submitters: Benign (2). Last evaluated 2018-01-13.

Conditions:
Ellis-van Creveld syndrome (EVC). Also called: EVC-Related Ellis-van Creveld Syndrome; EVC2-Related Ellis-van Creveld Syndrome; MESOECTODERMAL DYSPLASIA; Chondroectodermal dysplasia. Identifiers: Orphanet 289, MedGen C0013903, MONDO:0009162, OMIM 225500.

Allele frequency attached by ClinVar (database versions not stated): gnomAD exomes 0.12232; gnomAD 0.21091 and 0.21125; TOPMed 0.22283; 1000 Genomes Project 30x 0.23766; 1000 Genomes Project 0.23982.
gnomAD v4.1: 32,011 of 156,078 alleles (21%); highest among the groups gnomAD compares: African/African-American, 28%; 3,641 homozygotes.

Submissions (2):

Illumina Laboratory Services, Illumina
Classification: Benign for Ellis-van Creveld syndrome. Last evaluated: 2018-01-13. Review status: criteria provided, single submitter. Criteria: ICSL Variant Classification Criteria 13 December 2019. Collection method: clinical testing. Allele origin: germline.
Comment: This variant was observed in the ICSL laboratory as part of a predisposition screen in an ostensibly healthy population. It had not been previously curated by ICSL or reported in the Human Gene Mutation Database (HGMD: prior to June 1st, 2018), and was therefore a candidate for classification through an automated scoring system. Utilizing variant allele frequency, disease prevalence and penetrance estimates, and inheritance mode, an automated score was calculated to assess if this variant is too frequent to cause the disease. Based on the score and internal cut-off values, a variant classified as benign is not then subjected to further curation. The score for this variant resulted in a classification of benign for this disease.

Breakthrough Genomics
Classification: Benign. Review status: criteria provided, single submitter. Criteria: ACMG Guidelines, 2015. Collection method: not provided. Allele origin: germline. Inheritance: Autosomal recessive inheritance. Affected: yes.